The following is an entry in ClinVar:

NM_000135.4(FANCA):c.2013T>C (p.Asp671=)

Gene: FANCA (FA complementation group A; minus strand). Cytogenetic location: 16q24.3.
Variant type: single nucleotide variant.
Coding change: c.2013T>C on transcript NM_000135.4 (MANE Select); coding-DNA position 2013, T replaced by C.
Protein change: p.Asp671=; no amino-acid change (aspartic acid 671 retained).
Molecular consequence: synonymous variant.
Genome position (GRCh38, 1-based): chr16:89,773,272, A>G on the plus strand (T>C on the coding strand, the complement: FANCA is on the minus strand). VCF-style: chr16-89773272-A-G. GRCh37 (hg19) VCF-style: chr16-89839680-A-G.
Other names: c.2013T>C, p.Asp671= (NM_001286167.3); c.2013T>C (NM_000135.2).
Identifiers: ClinVar variation 1675072 (VCV001675072.2), dbSNP rs1225307143, ClinGen allele CA497185476.
Genomic context (GRCh38, chr16:89,773,272, plus strand): 5'-AGAGCTCCAACCACAGGCTGCACACATGAGACACAGCATGAGCTCCCATCCATCCTCACC[A>G]TCACGCTGGCTGGGGTCTGTCATGGAGGCTCTCAGCTCTCCCAGTGCAGCTGTGAGCTGT-3'
Protein context (NP_000126.2, residues 661-681): RASMTDPSQR[Asp671=]VISAQVAVIS

ClinVar aggregate classification (germline): Conflicting classifications of pathogenicity. Review status: criteria provided, conflicting classifications (1 of 4 stars). 2 submissions from 2 submitters: Uncertain significance (1); Likely benign (1). Last evaluated 2025-07-18.

Conditions:
Inborn genetic diseases. Identifiers: MedGen C0950123, MeSH D030342.
Fanconi anemia complementation group A (FANCA). Also called: Fanconi anemia, group A; FANCA-Related Fanconi Anemia. Identifiers: Orphanet 84, MedGen C3469521, MONDO:0009215, OMIM 227650.

Allele frequency attached by ClinVar (database versions not stated): TOPMed below 0.00001; gnomAD exomes 0.00001.
gnomAD v4.1: 11 of 1,549,302 alleles (0.00071%); highest among the groups gnomAD compares: Non-Finnish European, 0.00096%; no homozygotes.

Submissions (2):

Ambry Genetics
Classification: Likely benign for Inborn genetic diseases. Last evaluated: 2025-07-18. Review status: criteria provided, single submitter. Criteria: Ambry Variant Classification Scheme 2023. Collection method: clinical testing. Allele origin: germline.

Center for Genomics, Ann and Robert H. Lurie Children's Hospital of Chicago
Classification: Uncertain significance for Fanconi anemia complementation group A. Last evaluated: 2021-04-28. Review status: criteria provided, single submitter. Criteria: ACMG Guidelines, 2015. Collection method: clinical testing. Allele origin: germline.
Comment: FANCA NM_000135.3 exon 22 p.Asp671= (c.2013T>C): This variant has not been reported in the literature and is not present in large control databases. Evolutionary conservation and computational predictive tools for this variant are limited or unavailable. Of note, this variant is a silent variant and does not change the amino acid, reducing the probability that this variant is disease causing. In summary, data on this variant is insufficient for disease classification. Therefore, the clinical significance of this variant is uncertain.